The following is an entry in ClinVar:

NM_001031685.3(TP53BP2):c.3318G>A (p.Ala1106=)

Gene: TP53BP2 (tumor protein p53 binding protein 2; minus strand). Cytogenetic location: 1q41.
Variant type: single nucleotide variant.
Coding change: c.3318G>A on transcript NM_001031685.3 (MANE Select); coding-DNA position 3318, G replaced by A.
Protein change: p.Ala1106=; no amino-acid change (alanine 1106 retained).
Molecular consequence: synonymous variant.
Genome position (GRCh38, 1-based): chr1:223,784,160, C>T on the plus strand (G>A on the coding strand, the complement: TP53BP2 is on the minus strand). VCF-style: chr1-223784160-C-T. GRCh37 (hg19) VCF-style: chr1-223971862-C-T.
Other names: c.2931G>A, p.Ala977= (NM_005426.3).
Identifiers: ClinVar variation 3041533 (VCV003041533.2), dbSNP rs61749335, ClinGen allele CA1412447.

ClinVar aggregate classification (germline): Benign (0 of 4 stars; one submission).

Conditions:
TP53BP2-related disorder. Also called: TP53BP2-related condition.

Allele frequency attached by ClinVar (database versions not stated): 1000 Genomes Project 30x 0.00812; 1000 Genomes Project 0.00839; TOPMed 0.01329; ESP Exome Variant Server 0.01638; gnomAD 0.01670; ExAC 0.01976; gnomAD exomes 0.01990.
gnomAD v4.1: 31,522 of 1,614,086 alleles (2%); highest among the groups gnomAD compares: Non-Finnish European, 2.1%; 428 homozygotes.

Submission:

PreventionGenetics, part of Exact Sciences
Classification: Benign for TP53BP2-related condition. Last evaluated: 2019-03-22. Review status: no assertion criteria provided. Collection method: clinical testing. Allele origin: germline.
Comment: This variant is classified as benign based on ACMG/AMP sequence variant interpretation guidelines (Richards et al. 2015 PMID: 25741868, with internal and published modifications).